The following is an entry in ClinVar:

ClinVar aggregate classification (germline): Conflicting classifications of pathogenicity. Review status: criteria provided, conflicting classifications (1 of 4 stars). 6 submissions from 6 submitters: Uncertain significance (5); Likely benign (1). Last evaluated 2025-08-26.

Conditions:
Cardiovascular phenotype. Identifiers: MedGen CN230736.
Catecholaminergic polymorphic ventricular tachycardia (CVPT). Also called: Catecholamine-induced polymorphic ventricular tachycardia. Identifiers: Orphanet 3286, MedGen C5574922, MONDO:0017990.
Cardiomyopathy (CMYO). Also called: Cardiomyopathies. Identifiers: Orphanet 167848, MedGen C0878544, MONDO:0004994, HP:0001638. Inheritance: Various modes of inheritance.
Catecholaminergic polymorphic ventricular tachycardia 1. Also called: VENTRICULAR TACHYCARDIA, CATECHOLAMINERGIC POLYMORPHIC, 1, WITH OR WITHOUT ATRIAL DYSFUNCTION AND/OR DILATED CARDIOMYOPATHY; RYR2-Related Catecholaminergic Polymorphic Ventricular Tachycardia; VENTRICULAR TACHYCARDIA, STRESS-INDUCED POLYMORPHIC 1. Identifiers: Orphanet 3286, MedGen C1631597, MONDO:0011484, OMIM 604772.

Allele frequency attached by ClinVar (database versions not stated): ExAC 0.00001; gnomAD exomes 0.00001.
gnomAD v4.1: 11 of 1,613,484 alleles (0.00068%); highest among the groups gnomAD compares: Middle Eastern, 0.017%; no homozygotes.

Submissions (6):

Ambry Genetics
Classification: Uncertain significance for Cardiovascular phenotype. Last evaluated: 2025-08-26. Review status: criteria provided, single submitter. Criteria: Ambry Variant Classification Scheme 2023. Collection method: clinical testing. Allele origin: germline.
Comment: The p.R2144C variant (also known as c.6430C>T), located in coding exon 41 of the RYR2 gene, results from a C to T substitution at nucleotide position 6430. The arginine at codon 2144 is replaced by cysteine, an amino acid with highly dissimilar properties. This variant was reported in individual(s) with features consistent with RYR2-related ventricular arrhythmia (Kapplinger JD et al. Circ Genom Precis Med, 2018 Feb;11:e001424; Bennett JS et al. Pediatr Cardiol, 2019 Dec;40:1679-1687). This amino acid position is well conserved in available vertebrate species. In addition, this alteration is predicted to be deleterious by in silico analysis. Based on the available evidence, the clinical significance of this variant remains unclear.

All of Us Research Program, National Institutes of Health
Classification: Uncertain significance for Catecholaminergic polymorphic ventricular tachycardia. Last evaluated: 2024-09-23. Review status: criteria provided, single submitter. Criteria: ACMG Guidelines, 2015. Collection method: clinical testing. Allele origin: germline. Inheritance: Autosomal dominant inheritance. Observed: 3 variant alleles, 3 heterozygotes.
Comment: This missense variant replaces arginine with cysteine at codon 2144 of the RYR2 protein. Computational prediction suggests that this variant may have deleterious impact on protein structure and function (internally defined REVEL score threshold >= 0.7, PMID: 27666373). Splice site prediction tools suggest that this variant may not impact RNA splicing. To our knowledge, functional studies have not been reported for this variant. This variant has been reported in an individual referred for inherited arrhythmia syndrome genetic test (PMID: 31535183). This variant has been identified in 2/246800 chromosomes in the general population by the Genome Aggregation Database (gnomAD). The available evidence is insufficient to determine the role of this variant in disease conclusively. Therefore, this variant is classified as a Variant of Uncertain Significance.

This study involves interpretation of variants in research participants for the purpose of population health screening. Participant phenotype was not available at the time of variant classification. Additional details can be found in publication PMID: 35346344, PMCID: PMC8962531

Color Diagnostics, LLC DBA Color Health
Classification: Uncertain significance for Cardiomyopathy. Last evaluated: 2024-09-09. Review status: criteria provided, single submitter. Criteria: ACMG Guidelines, 2015. Collection method: clinical testing. Allele origin: germline.
Comment: This missense variant replaces arginine with cysteine at codon 2144 of the RYR2 protein. Computational prediction suggests that this variant may have deleterious impact on protein structure and function. To our knowledge, functional studies have not been reported for this variant. This variant has not been reported in individuals affected with RYR2-related disorders in the literature. It has been reported in three young children with with family history of arrhythmia (PMID: 31535183). This variant has been identified in 2/246800 chromosomes in the general population by the Genome Aggregation Database (gnomAD). The available evidence is insufficient to determine the role of this variant in disease conclusively. Therefore, this variant is classified as a Variant of Uncertain Significance.

Labcorp Genetics (formerly Invitae), Labcorp
Classification: Likely benign for Catecholaminergic polymorphic ventricular tachycardia 1. Last evaluated: 2024-01-04. Review status: criteria provided, single submitter. Criteria: Invitae Variant Classification Sherloc (09022015). Collection method: clinical testing. Allele origin: germline.

Victorian Clinical Genetics Services, Murdoch Childrens Research Institute
Classification: Uncertain significance for Catecholaminergic polymorphic ventricular tachycardia 1. Last evaluated: 2023-12-21. Review status: criteria provided, single submitter. Criteria: ACMG Guidelines, 2015. Collection method: clinical testing. Allele origin: germline. Inheritance: Autosomal dominant inheritance. Affected: yes.
Comment: Based on the classification scheme VCGS_Germline_v1.3.4, this variant is classified as VUS-3B. Following criteria are met: 0103 - Dominant negative and gain of function are known mechanisms of disease in this gene, and are associated with catecholaminergic polymorphic ventricular tachycardia 1 (MIM#604772) and left ventricular non-compaction (PMIDs: 12459180, 27646203, 29477366, 31875585, 33500567). Loss of function has been reported for ventricular arrhythmias due to cardiac ryanodine receptor calcium release deficiency syndrome (MIM#115000); however, a dominant negative mechanism has not been excluded (PMID: 33536282). (I) 0107 - This gene is associated with autosomal dominant disease. (I) 0112 - The condition associated with this gene has incomplete penetrance. Penetrance for CPVT is estimated to be 60-70% (PMID: 23549275). (I) 0200 - Variant is predicted to result in a missense amino acid change from arginine to cysteine. (I) 0251 - This variant is heterozygous. (I) 0302 - Variant is present in gnomAD (v2) <0.001 for a dominant condition (2 heterozygotes, 0 homozygotes). (SP) 0309 - An alternative amino acid change at the same position has been observed in gnomAD (v2 & v3) (5 heterozygotes, 0 homozygotes). (I) 0502 - Missense variant with conflicting in silico predictions and uninformative conservation. (I) 0602 - Variant is located in a hotspot region or cluster of pathogenic variants. This variant is found within an established missense variant hotspot within the RIH domain (PMID: 30696458). (SP) 0710 - Another missense variant comparable to the one identified in this case has inconclusive previous evidence for pathogenicity. An alternate change to histidine, p.(Arg2144His), has been reported by multiple clinical laboratories as a VUS (ClinVar). (I) 0809 - Previous evidence of pathogenicity for this variant is inconclusive. This variant has been identified in an individual with suspected CPVT (PMID: 29453246). However, it has also been reported by multiple clinical laboratories as a VUS (ClinVar). (I) 0905 - No published segregation evidence has been identified for this variant. (I) 1007 - No published functional evidence has been identified for this variant. (I) 1208 - Inheritance information for this variant is not currently available in this individual. (I) Legend: (SP) - Supporting pathogenic, (I) - Information, (SB) - Supporting benign

CHEO Genetics Diagnostic Laboratory, Children's Hospital of Eastern Ontario
Classification: Uncertain significance for Cardiomyopathy. Last evaluated: 2020-11-24. Review status: criteria provided, single submitter. Criteria: ACMG Guidelines, 2015. Collection method: clinical testing. Allele origin: germline.

Literature cited by the submitters: PubMed 29453246 (cited by Ambry Genetics and Victorian Clinical Genetics Services, Murdoch Childrens Research Institute); PubMed 31535183 (cited by 3 submitters); PubMed 12459180 (cited by Victorian Clinical Genetics Services, Murdoch Childrens Research Institute); PubMed 23549275 (cited by Victorian Clinical Genetics Services, Murdoch Childrens Research Institute); PubMed 27646203 (cited by Victorian Clinical Genetics Services, Murdoch Childrens Research Institute); PubMed 29477366 (cited by Victorian Clinical Genetics Services, Murdoch Childrens Research Institute); PubMed 30696458 (cited by Victorian Clinical Genetics Services, Murdoch Childrens Research Institute); PubMed 31875585 (cited by Victorian Clinical Genetics Services, Murdoch Childrens Research Institute); PubMed 33500567 (cited by Victorian Clinical Genetics Services, Murdoch Childrens Research Institute); PubMed 33536282 (cited by Victorian Clinical Genetics Services, Murdoch Childrens Research Institute).

NM_001035.3(RYR2):c.6430C>T (p.Arg2144Cys)

Gene: RYR2 (ryanodine receptor 2; plus strand). Cytogenetic location: 1q43.
Variant type: single nucleotide variant.
Coding change: c.6430C>T on transcript NM_001035.3 (MANE Select); coding-DNA position 6430, C replaced by T.
Protein change: p.Arg2144Cys; replaces arginine 2144 with cysteine.
Molecular consequence: missense variant.
Genome position (GRCh38, 1-based): chr1:237,628,070, C>T. VCF-style: chr1-237628070-C-T. GRCh37 (hg19) VCF-style: chr1-237791370-C-T.
Other names: c.6430C>T (NM_001035.2); short protein forms R2144C.
Identifiers: ClinVar variation 919585 (VCV000919585.15), dbSNP rs770847446, ClinGen allele CA087100.